The following is an entry in ClinVar:

ClinVar aggregate classification (germline): Benign/Likely benign. Review status: criteria provided, multiple submitters, no conflicts (2 of 4 stars). 7 submissions from 7 submitters: Benign (4); Likely benign (2). 1 of the submissions does not count toward it. Last evaluated 2026-02-02.

Conditions:
Androgen resistance syndrome (AIS). Also called: Androgen insensitivity, complete; Androgen insensitivity syndrome; Androgen insensitivity syndrome due to coactivator deficiency; Androgen insensitivity; DHTR DEFICIENCY; ANDROGEN RECEPTOR DEFICIENCY. Identifiers: Orphanet 754, Orphanet 99429, MedGen C0039585, MONDO:0019154, OMIM 300068. Disease mechanism: loss of function.
Kennedy disease (SMAX1). Also called: KENNEDY SPINAL AND BULBAR MUSCULAR ATROPHY; SPINAL AND BULBAR MUSCULAR ATROPHY, X-LINKED 1; Spinal and Bulbar Muscular Atrophy. Identifiers: Orphanet 481, MedGen C1839259, MONDO:0010735, OMIM 313200.

Submissions (7):

Labcorp Genetics (formerly Invitae), Labcorp
Classification: Benign for Kennedy disease; Androgen resistance syndrome. Last evaluated: 2026-02-02. Review status: criteria provided, single submitter. Criteria: Invitae Variant Classification Sherloc (09022015). Collection method: clinical testing. Allele origin: germline.

CeGaT Center for Human Genetics Tuebingen
Classification: Likely benign. Last evaluated: 2026-01-01. Review status: criteria provided, single submitter. Criteria: CeGaT Center For Human Genetics Tuebingen Variant Classification Criteria Version 2. Collection method: clinical testing. Allele origin: germline. Affected: yes. Observed: 1 variant allele.
Comment: AR: BS1

Laboratory of Genetics, Children's Clinical University Hospital Latvia
Classification: Benign. Last evaluated: 2025-02-16. Review status: criteria provided, single submitter. Criteria: ACMG Guidelines, 2015. Collection method: clinical testing. Allele origin: germline. Affected: yes.

Blueprint Genetics
Classification: Likely benign. Last evaluated: 2024-11-28. Review status: criteria provided, single submitter. Criteria: ACMG Guidelines, 2015. Collection method: clinical testing. Allele origin: germline.

Women's Health and Genetics/Laboratory Corporation of America, LabCorp
Classification: Benign. Last evaluated: 2023-07-25. Review status: criteria provided, single submitter. Criteria: LabCorp Variant Classification Summary - May 2015. Collection method: clinical testing. Allele origin: germline.
Comment: Variant summary: AR c.225_239dup15 (p.Gln76_Gln80dup) results in an in-frame duplication that is predicted to duplicate five amino acids into the encoded protein. Diagnosis of Spinal and bulbar muscular atrophy is established based on the identification of an expansion of CAG trinucleotide repeat of >35 CAGs whereas the current variant involves 28 CAGs. Additionally, this in-frame duplication is not consistent with the molecular mechanism of disease for Androgen Resistance Syndrome. The variant was absent in 166414 control chromosomes, however this region of the gene in gnomad contains numerous high frequency duplications/deletions, with dubious quality annotation due to low complexity region. The available data on variant occurrences in the general population are insufficient to allow any conclusion about variant significance. c.225_239dup15 has been reported in the literature in an individual affected with Hypospadias (Xie_2012). These data do not allow any conclusion about variant significance. To our knowledge, no experimental evidence demonstrating an impact on protein function has been reported. The following publication have been ascertained in the context of this evaluation (PMID: 35729303). Two submitters have cited clinical-significance assessments for this variant to ClinVar after 2014. All submitters classified the variant as benign. Based on the evidence outlined above, the variant was classified as benign.

GeneDx
Classification: Benign. Last evaluated: 2016-07-06. Review status: criteria provided, single submitter. Criteria: GeneDx Variant Classification Process June 2021. Collection method: clinical testing. Allele origin: germline. Affected: yes.

Department of Pathology and Laboratory Medicine, Sinai Health System
Classification: Likely benign. Review status: no assertion criteria provided. Collection method: clinical testing. Allele origin: unknown. Affected: yes. Study: The Canadian Open Genetics Repository (COGR). Not counted in ClinVar's aggregate classification.
Comment: The AR p.Gln76_Gln80dup variant was not identified in the literature nor was it identified in the dbSNP, COGR, Cosmic, MutDB, and UMD-LSDB databases. The variant was also identified in ClinVar as benign with one submission from Invitae with the associated conditions of Androgen resistance syndrome and Bulbo-spinal atrophy X-linked. The variant was also identified in LOVD 3.0. The variant was not identified in the following control databases: the 1000 Genomes Project, the NHLBI GO Exome Sequencing Project, the Exome Aggregation Consortium (August 8th 2016), or the Genome Aggregation Database (Feb 27, 2017). This variant is an in-frame insertion resulting in the duplication of a glutamine (gln) residue at codon 76; the impact of this alteration on AR protein function is not known, however this insertion occurs in a variable poly-Q repeat region and was predicted to be a polymorphism by MutationTaster. In summary, based on the above information the clinical significance of this variant cannot be determined with certainty at this time although we would lean towards a more benign role for this variant. This variant is classified as likely benign.

Literature cited by the submitters: PubMed 35729303 (cited by Women's Health and Genetics/Laboratory Corporation of America, LabCorp).

NM_000044.6(AR):c.171GCA[28] (p.Gln76_Gln80dup)

Genes: AR (androgen receptor; plus strand), LOC109504725 (androgen receptor repeat instability region; plus strand). Cytogenetic location: Xq12.
Variant type: Microsatellite.
Coding change: c.171GCA[28] on transcript NM_000044.6 (MANE Select); 28 copies in a row of the 3-base unit GCA starting at c.171; the reference has 23 copies in a row; five copies, 15 bases duplicated; also written c.225_239dup.
Protein change: p.Gln76_Gln80dup.
Molecular consequence: inframe insertion. On other transcripts: 5 prime UTR variant (1).
Genome position (GRCh38, 1-based): chrX:67,545,371-67,545,385, GCAGCAGCAGCAGCA duplicated; duplicating any 15 consecutive bases within chrX:67,545,317-67,545,385 gives the same sequence; the position shown is the placement nearest the transcript's 3' end. VCF-style (leftmost placement, unchanged base first): chrX-67545316-T-TGCAGCAGCAGCAGCA. GRCh37 (hg19) VCF-style: chrX-66765158-T-TGCAGCAGCAGCAGCA.
Other names: c.225_239dup (NM_000044.3); c.225_239dup15 (NM_000044.3); c.-1613GCA[28] (NM_001011645.3); c.171GCA[28], p.Gln76_Gln80dup (NM_001348061.1, NM_001348063.1, NM_001348064.1).
Identifiers: ClinVar variation 464795 (VCV000464795.22), dbSNP rs3032358, ClinGen allele CA517047901.